The following is an entry in ClinVar:

NM_001211.6(BUB1B):c.2621A>G (p.His874Arg)

Gene: BUB1B (BUB1 mitotic checkpoint serine/threonine kinase B; plus strand). Cytogenetic location: 15q15.1.
Variant type: single nucleotide variant.
Coding change: c.2621A>G on transcript NM_001211.6 (MANE Select); coding-DNA position 2621, A replaced by G.
Protein change: p.His874Arg; replaces histidine 874 with arginine.
Molecular consequence: missense variant.
Genome position (GRCh38, 1-based): chr15:40,213,417, A>G. VCF-style: chr15-40213417-A-G. GRCh37 (hg19) VCF-style: chr15-40505618-A-G.
Other names: short protein forms H874R.
Identifiers: ClinVar variation 2565470 (VCV002565470.2), dbSNP rs2542577045, ClinGen allele CA391686330.

ClinVar aggregate classification (germline): Uncertain significance (1 of 4 stars; one submission).

Conditions:
Inborn genetic diseases. Identifiers: MedGen C0950123, MeSH D030342.

Submission:

Ambry Genetics
Classification: Uncertain significance for Inborn genetic diseases. Last evaluated: 2023-05-21. Review status: criteria provided, single submitter. Criteria: Ambry Variant Classification Scheme 2023. Collection method: clinical testing. Allele origin: germline.
Comment: The p.H874R variant (also known as c.2621A>G), located in coding exon 20 of the BUB1B gene, results from an A to G substitution at nucleotide position 2621. The histidine at codon 874 is replaced by arginine, an amino acid with highly similar properties. This amino acid position is conserved. In addition, this alteration is predicted to be deleterious by in silico analysis. Since supporting evidence is limited at this time, the clinical significance of this alteration remains unclear.